The following is an entry in ClinVar:

ClinVar aggregate classification (germline): Likely pathogenic (1 of 4 stars; one submission).

Conditions:
Immunodeficiency 18 (IMD18). Also called: CD3-EPSILON DEFICIENCY; CD3epsilon deficiency. Identifiers: MedGen C3810127, MONDO:0014278, OMIM 615615.

Submission:

Labcorp Genetics (formerly Invitae), Labcorp
Classification: Likely pathogenic for Immunodeficiency 18. Last evaluated: 2024-10-22. Review status: criteria provided, single submitter. Criteria: Invitae Variant Classification Sherloc (09022015). Collection method: clinical testing. Allele origin: germline.
Comment: This sequence change affects an acceptor splice site in intron 4 of the CD3E gene. It is expected to disrupt RNA splicing. Variants that disrupt the donor or acceptor splice site typically lead to a loss of protein function (PMID: 16199547), and loss-of-function variants in CD3E are known to be pathogenic (PMID: 8490660, 15546002). This variant is not present in population databases (gnomAD no frequency). This variant has not been reported in the literature in individuals affected with CD3E-related conditions. Algorithms developed to predict the effect of sequence changes on RNA splicing suggest that this variant may disrupt the consensus splice site. In summary, the currently available evidence indicates that the variant is pathogenic, but additional data are needed to prove that conclusively. Therefore, this variant has been classified as Likely Pathogenic.

Literature cited by the submitters: PubMed 16199547; PubMed 8490660; PubMed 15546002.

NM_000733.4(CD3E):c.86-1G>A

Gene: CD3E (CD3 epsilon subunit of T-cell receptor complex; plus strand). Cytogenetic location: 11q23.3.
Variant type: single nucleotide variant.
Coding change: c.86-1G>A on transcript NM_000733.4 (MANE Select); the canonical splice acceptor site of the intron before coding-DNA position 86, G replaced by A.
Molecular consequence: splice acceptor variant.
Genome position (GRCh38, 1-based): chr11:118,312,152, G>A. VCF-style: chr11-118312152-G-A. GRCh37 (hg19) VCF-style: chr11-118182867-G-A.
Identifiers: ClinVar variation 3635757 (VCV003635757.2).